The following is an entry in ClinVar:

ClinVar aggregate classification (germline): Conflicting classifications of pathogenicity. Review status: criteria provided, conflicting classifications (1 of 4 stars). 2 submissions from 2 submitters: Likely pathogenic (1); Uncertain significance (1). Last evaluated 2022-03-12.

Conditions:
Cardiovascular phenotype. Identifiers: MedGen CN230736.
Dilated cardiomyopathy 1G (CMD1G). Identifiers: Orphanet 154, MedGen C1858763, MONDO:0011400, OMIM 604145.
Autosomal recessive limb-girdle muscular dystrophy type 2J (LGMDR10). Also called: Limb-girdle muscular dystrophy, type 2J; MUSCULAR DYSTROPHY, LIMB-GIRDLE, AUTOSOMAL RECESSIVE 10. Identifiers: Orphanet 140922, MedGen C1837342, MONDO:0012127, OMIM 608807.

Submissions (2):

Labcorp Genetics (formerly Invitae), Labcorp
Classification: Likely pathogenic for Dilated cardiomyopathy 1G; Autosomal recessive limb-girdle muscular dystrophy type 2J. Last evaluated: 2022-03-12. Review status: criteria provided, single submitter. Criteria: Invitae Variant Classification Sherloc (09022015). Collection method: clinical testing. Allele origin: germline.
Comment: This variant is located in the A band of TTN (PMID: 25589632). Truncating variants in this region are significantly overrepresented in patients affected with dilated cardiomyopathy (PMID: 25589632). Truncating variants in this region have also been reported in individuals affected with autosomal recessive centronuclear myopathy (PMID: 23975875). In summary, the currently available evidence indicates that the variant is pathogenic, but additional data are needed to prove that conclusively. Therefore, this variant has been classified as Likely Pathogenic. Algorithms developed to predict the effect of sequence changes on RNA splicing suggest that this variant may disrupt the consensus splice site. This variant has not been reported in the literature in individuals affected with TTN-related conditions. This variant is not present in population databases (gnomAD no frequency). This sequence change affects an acceptor splice site in intron 265 of the TTN gene. It is expected to disrupt RNA splicing and likely results in a truncated or disrupted TTN protein.

Ambry Genetics
Classification: Uncertain significance for Cardiovascular phenotype. Last evaluated: 2021-02-11. Review status: criteria provided, single submitter. Criteria: Ambry Variant Classification Scheme 2023. Collection method: clinical testing. Allele origin: germline.
Comment: The c.22754-1G>T intronic variant results from a G to T substitution one nucleotide upstream from coding exon 93 of the TTN gene. Exon 93 is located in the A-band region of the N2-B isoform of the titin protein and is constitutively expressed in TTN transcripts (percent spliced in or PSI 100%). Alterations that disrupt the canonical splice site are expected to cause aberrant splicing, resulting in an abnormal protein or a transcript that is subject to nonsense-mediated mRNA decay. In silico splice site analysis predicts that this alteration will weaken the native splice acceptor site and will result in the creation or strengthening of a novel splice acceptor site. The resulting transcript is predicted to be in-frame and is not expected to trigger nonsense-mediated mRNA decay; however, direct evidence is unavailable. The exact functional effect of the missing amino acids is unknown. This nucleotide position is highly conserved in available vertebrate species. Since supporting evidence is limited at this time, the clinical significance of this alteration remains unclear.

Literature cited by the submitters: PubMed 25589632 (cited by Labcorp Genetics (formerly Invitae), Labcorp); PubMed 23975875 (cited by Labcorp Genetics (formerly Invitae), Labcorp).

NM_001267550.2(TTN):c.49949-1G>T

Genes: TTN (titin; minus strand), TTN-AS1 (TTN antisense RNA 1; plus strand). Cytogenetic location: 2q31.2.
Variant type: single nucleotide variant.
Coding change: c.49949-1G>T on transcript NM_001267550.2 (MANE Select); the canonical splice acceptor site of the intron before coding-DNA position 49949, G replaced by T.
Molecular consequence: splice acceptor variant.
Genome position (GRCh38, 1-based): chr2:178,612,577, C>A on the plus strand (G>T on the coding strand, the complement: TTN is on the minus strand). VCF-style: chr2-178612577-C-A. GRCh37 (hg19) VCF-style: chr2-179477304-C-A.
Other names: c.22754-1G>T (NM_003319.4); c.23330-1G>T (NM_133437.4); c.23129-1G>T (NM_133432.3); c.42245-1G>T (NM_133378.4); c.45026-1G>T (NM_001256850.1).
Identifiers: ClinVar variation 1788842 (VCV001788842.7), dbSNP rs2470545999, ClinGen allele CA349600251.